The following is an entry in ClinVar:

NM_001039803.3(CDK20):c.1035G>A (p.Glu345=)

Gene: CDK20 (cyclin dependent kinase 20; minus strand). Cytogenetic location: 9q22.1.
Variant type: single nucleotide variant.
Coding change: c.1035G>A on transcript NM_001039803.3 (MANE Select); coding-DNA position 1035, G replaced by A.
Protein change: p.Glu345=; no amino-acid change (glutamic acid 345 retained).
Molecular consequence: synonymous variant. On other transcripts: 3 prime UTR variant (2).
Genome position (GRCh38, 1-based): chr9:87,967,468, C>T on the plus strand (G>A on the coding strand, the complement: CDK20 is on the minus strand). VCF-style: chr9-87967468-C-T. GRCh37 (hg19) VCF-style: chr9-90582383-C-T.
Other names: c.*116G>A (NM_001170639.2, NM_001170640.2); c.972G>A, p.Glu324= (NM_012119.5); c.1011G>A, p.Glu337= (NM_178432.4).
Identifiers: ClinVar variation 3051912 (VCV003051912.2), dbSNP rs200903388, ClinGen allele CA195607353.

ClinVar aggregate classification (germline): Likely benign (0 of 4 stars; one submission).

Conditions:
CDK20-related disorder. Also called: CDK20-related condition.

Allele frequency attached by ClinVar (database versions not stated): gnomAD 0.00001; TOPMed 0.00005; 1000 Genomes Project 0.00020; 1000 Genomes Project 30x 0.00031.

Submission:

PreventionGenetics, part of Exact Sciences
Classification: Likely benign for CDK20-related condition. Last evaluated: 2020-11-08. Review status: no assertion criteria provided. Collection method: clinical testing. Allele origin: germline.
Comment: This variant is classified as likely benign based on ACMG/AMP sequence variant interpretation guidelines (Richards et al. 2015 PMID: 25741868, with internal and published modifications).